The following is an entry in ClinVar:

ClinVar aggregate classification (germline): Conflicting classifications of pathogenicity. Review status: criteria provided, conflicting classifications (1 of 4 stars). 2 submissions from 2 submitters: Uncertain significance (1); Likely benign (1). Last evaluated 2025-04-11.

Conditions:
Dilated cardiomyopathy 1AA (CMD1AA). Also called: Cardiomyopathy, dilated, 1AA, with or without LVNC; CARDIOMYOPATHY, FAMILIAL HYPERTROPHIC, 23, WITH OR WITHOUT LEFT VENTRICULAR NONCOMPACTION; CARDIOMYOPATHY, DILATED, 1AA, WITH OR WITHOUT LEFT VENTRICULAR NONCOMPACTION. Identifiers: Orphanet 154, MedGen C2677338, MONDO:0012808, OMIM 612158.
Primary familial hypertrophic cardiomyopathy (HCM). Identifiers: Orphanet 99739, MedGen C0949658, MeSH D024741, MONDO:0024573. Inheritance: Various modes of inheritance.
Cardiovascular phenotype. Identifiers: MedGen CN230736.

Allele frequency attached by ClinVar (database versions not stated): gnomAD exomes below 0.00001; gnomAD 0.00001; TOPMed 0.00001.
gnomAD v4.1: 2 of 1,614,050 alleles (0.00012%); highest among the groups gnomAD compares: African/African-American, 0.0013%; no homozygotes.

Submissions (2):

Labcorp Genetics (formerly Invitae), Labcorp
Classification: Likely benign for Primary familial hypertrophic cardiomyopathy; Dilated cardiomyopathy 1AA. Last evaluated: 2025-04-11. Review status: criteria provided, single submitter. Criteria: Invitae Variant Classification Sherloc (09022015). Collection method: clinical testing. Allele origin: germline.

Ambry Genetics
Classification: Uncertain significance for Cardiovascular phenotype. Last evaluated: 2023-04-25. Review status: criteria provided, single submitter. Criteria: Ambry Variant Classification Scheme 2023. Collection method: clinical testing. Allele origin: germline.
Comment: The c.2214G>A variant (also known as p.V738V), located in coding exon 18 of the ACTN2 gene, results from a G to A substitution at nucleotide position 2214. This nucleotide substitution does not change the valine at codon 738. This nucleotide position is poorly conserved in available vertebrate species. In silico splice site analysis for this alteration is inconclusive. Since supporting evidence is limited at this time, the clinical significance of this alteration remains unclear.

NM_001103.4(ACTN2):c.2214G>A (p.Val738=)

Gene: ACTN2 (actinin alpha 2; plus strand). Cytogenetic location: 1q43.
Variant type: single nucleotide variant.
Coding change: c.2214G>A on transcript NM_001103.4 (MANE Select); coding-DNA position 2214, G replaced by A.
Protein change: p.Val738=; no amino-acid change (valine 738 retained).
Molecular consequence: synonymous variant. On other transcripts: non-coding transcript variant (1).
Genome position (GRCh38, 1-based): chr1:236,757,545, G>A. VCF-style: chr1-236757545-G-A. GRCh37 (hg19) VCF-style: chr1-236920845-G-A.
Other names: c.2214G>A (NM_001103.2); c.2214G>A, p.Val738= (NM_001278343.2); c.1590G>A, p.Val530= (NM_001278344.2); c.1464G>A, p.Val488= (NM_001412150.1).
Identifiers: ClinVar variation 2163271 (VCV002163271.6), dbSNP rs1025943151, ClinGen allele CA39743800.